The following is an entry in ClinVar:

NM_005465.7(AKT3):c.1393C>T (p.Arg465Trp)

Gene: AKT3 (AKT serine/threonine kinase 3; minus strand). Cytogenetic location: 1q44.
Variant type: single nucleotide variant.
Coding change: c.1393C>T on transcript NM_005465.7 (MANE Select); coding-DNA position 1393, C replaced by T.
Protein change: p.Arg465Trp; replaces arginine 465 with tryptophan.
Molecular consequence: missense variant. On other transcripts: intron variant (2).
Genome position (GRCh38, 1-based): chr1:243,505,296, G>A on the plus strand (C>T on the coding strand, the complement: AKT3 is on the minus strand). VCF-style: chr1-243505296-G-A. GRCh37 (hg19) VCF-style: chr1-243668598-G-A.
Other names: c.1393C>T, p.Arg465Trp (NM_001370074.1); c.1355-5510C>T (NM_181690.2, NM_001206729.2); short protein forms R465W.
Identifiers: ClinVar variation 39814 (VCV000039814.62), dbSNP rs587776935, ClinGen allele CA130580.

ClinVar aggregate classification (germline): Pathogenic/Likely pathogenic. Review status: criteria provided, multiple submitters, no conflicts (2 of 4 stars). 16 submissions from 16 submitters: Pathogenic (11); Likely pathogenic (2). 3 of the submissions do not count toward it. Last evaluated 2025-03-06.
ClinVar aggregate classification (oncogenicity): Likely oncogenic (1 of 4 stars; one submission).

Conditions:
AKT3-related disorder. Also called: AKT3-related condition.
Global developmental delay (DD). Also called: Cognitive delay. Identifiers: MedGen C0557874, HP:0001263. Disease mechanism: loss of function.
Polymicrogyria. Identifiers: Orphanet 35981, MedGen C0266464, MONDO:0000087, HP:0002126.
Capillary hemangioma. Also called: Capillary hemangiomas. Identifiers: MedGen C0206733, MONDO:0002407, HP:0005306.
Macrocephaly. Also called: large head; Macrocephalus. Identifiers: MedGen C2243051, HP:0000256.
Inborn genetic diseases. Identifiers: MedGen C0950123, MeSH D030342.
Megalencephaly-polymicrogyria-polydactyly-hydrocephalus syndrome 2 (MPPH2). Also called: MEGALENCEPHALY-POLYMICROGYRIA-POLYDACTYLY-HYDROCEPHALUS SYNDROME 2, SOMATIC. Identifiers: Orphanet 83473, MedGen C4014738, MONDO:0014407, OMIM 615937.
Neoplasm. Also called: tumor; Neoplasms; Neoplasm (disease). Identifiers: MedGen C0027651, MeSH D009369, MONDO:0005070, HP:0002664.

Submissions (17):

PreventionGenetics, part of Exact Sciences
Classification: Pathogenic for AKT3-related condition. Last evaluated: 2025-03-06. Review status: criteria provided, single submitter. Criteria: ACMG Guidelines, 2015. Collection method: clinical testing. Allele origin: germline.
Comment: The AKT3 c.1393C>T variant is predicted to result in the amino acid substitution p.Arg465Trp. This variant has been reported de novo in multiple individuals with megalencephaly-polymicrogyria-polydactyly-hydrocephalus syndrome 2 (see for examples: Rivière et al. 2012. PubMed ID: 22729224; Alacantara et al. 2017. PubMed ID: 28969385; eTable 3, Meng et al. 2017. PubMed ID: 28973083; Table S1, Tumiene et al. 2018. PubMed ID: 29286531; Lin et al. 2020 PubMed ID: 33176815; Moirangthem et al. 2021 PubMed ID: 33942996). In vitro functional studies demonstrate that expression of this variant results in increased kinase activity (Alacantara et al. 2017. PubMed ID: 28969385). This variant has not been reported in a large population database (gnomAD), indicating it is rare. This variant is interpreted as pathogenic.

Center for Genomic Medicine, Rigshospitalet, Copenhagen University Hospital
Classification: Likely oncogenic for Neoplasm. Last evaluated: 2025-03-04. Review status: criteria provided, single submitter. Criteria: ClinGen/CGC/VICC Guidelines for Oncogenicity, 2022. Collection method: clinical testing. Allele origin: somatic. Affected: yes.

Labcorp Genetics (formerly Invitae), Labcorp
Classification: Pathogenic for Megalencephaly-polymicrogyria-polydactyly-hydrocephalus syndrome 2. Last evaluated: 2024-05-06. Review status: criteria provided, single submitter. Criteria: Invitae Variant Classification Sherloc (09022015). Collection method: clinical testing. Allele origin: germline.
Comment: This sequence change replaces arginine, which is basic and polar, with tryptophan, which is neutral and slightly polar, at codon 465 of the AKT3 protein (p.Arg465Trp). This variant is not present in population databases (gnomAD no frequency). This missense change has been observed in individual(s) with overlapping features of megalencephaly-capillary malformation (MCAP) and megalencephaly-polymicrogyria-polydactyly-hydrocephalus syndrome (MPPH) (PMID: 22729224, 23745724). In at least one individual the variant was observed to be de novo. ClinVar contains an entry for this variant (Variation ID: 39814). An algorithm developed to predict the effect of missense changes on protein structure and function (PolyPhen-2) suggests that this variant is likely to be disruptive. Experimental studies have shown that this missense change affects AKT3 function (PMID: 22729224, 23745724, 24705253). For these reasons, this variant has been classified as Pathogenic.

Blueprint Genetics
Classification: Pathogenic for AKT3-related disorders. Last evaluated: 2023-09-20. Review status: criteria provided, single submitter. Criteria: ACMG Guidelines, 2015. Collection method: clinical testing. Allele origin: germline. Affected: yes. Observed: 3 variant alleles.

Institute of Human Genetics, FAU Erlangen, Friedrich-Alexander-Universität Erlangen-Nürnberg
Classification: Pathogenic for Megalencephaly-polymicrogyria-polydactyly-hydrocephalus syndrome 2. Last evaluated: 2023-05-16. Review status: criteria provided, single submitter. Criteria: Hauer et al. (Genet Med. 2018). Collection method: clinical testing. Allele origin: germline. Inheritance: Autosomal dominant inheritance. Affected: yes. Observed: 1 variant allele.
Comment: This variant has been identified by standard clinical testing. de novo Selected ACMG criteria: Pathogenic (II):PP3;PP2;PM2;PS4;PS2

Kasturba Medical College, Manipal, Kasturba Medical College, Manipal, Manipal Academy of Higher Education, Manipal, India
Classification: Pathogenic for Megalencephaly-polymicrogyria-polydactyly-hydrocephalus syndrome 2. Last evaluated: 2023-01-23. Review status: criteria provided, single submitter. Criteria: ACMG Guidelines, 2015. Collection method: clinical testing. Allele origin: germline. Affected: yes.

Clinical Genetics Laboratory, Skane University Hospital Lund
Classification: Pathogenic. Last evaluated: 2022-05-27. Review status: criteria provided, single submitter. Criteria: ACMG Guidelines, 2015. Collection method: clinical testing. Allele origin: germline. Affected: yes.

GeneDx
Classification: Pathogenic. Last evaluated: 2022-03-17. Review status: criteria provided, single submitter. Criteria: GeneDx Variant Classification Process June 2021. Collection method: clinical testing. Allele origin: germline. Affected: yes.
Comment: Published functional studies demonstrate that R465W caused increased activity compared to wild-type AKT3 (Alcantara et al., 2017); In silico analysis supports that this missense variant has a deleterious effect on protein structure/function; Not observed in large population cohorts (gnomAD); This variant is associated with the following publications: (PMID: 28475857, 28973083, 29286531, 32446860, 33942996, 33176815, 31785789, 22729224, 23592320, 25140959, 28969385)

Victorian Clinical Genetics Services, Murdoch Childrens Research Institute
Classification: Pathogenic for Megalencephaly-polymicrogyria-polydactyly-hydrocephalus syndrome 2. Last evaluated: 2022-02-02. Review status: criteria provided, single submitter. Criteria: ACMG Guidelines, 2015. Collection method: clinical testing. Allele origin: germline. Inheritance: Autosomal dominant inheritance. Affected: yes.
Comment: Based on the classification scheme VCGS_Germline_v1.3.4, this variant is classified as Pathogenic. Following criteria are met: 0101 - Gain of function is a known mechanism of disease in this gene and is associated with megalencephaly-polymicrogyria-polydactyly-hydrocephalus syndrome 2 (MPPH) (MIM#615937) (GeneReviews). (I) 0107 - This gene is associated with autosomal dominant disease. (I) 0200 - Variant is predicted to result in a missense amino acid change from arginine to tryptophan. (I) 0251 - This variant is heterozygous. (I) 0301 - Variant is absent from gnomAD (both v2 and v3). (SP) 0501 - Missense variant consistently predicted to be damaging by multiple in silico tools or highly conserved with a major amino acid change. (SP) 0600 - Variant is located in the annotated kinase C-terminal domain (DECIPHER, Uniprot). (I) 0801 - This variant has strong previous evidence of pathogenicity in unrelated individuals. It has been identified in at least five patients, including proven de novo events, and has been classified as pathogenic by diagnostic laboratories in ClinVar (DECIPHER; PMID: 22729224, 29286531, 33176815). (SP) Legend: (SP) - Supporting pathogenic, (I) - Information, (SB) - Supporting benign

3billion
Classification: Pathogenic for Megalencephaly-polymicrogyria-polydactyly-hydrocephalus syndrome 2. Last evaluated: 2021-10-02. Review status: criteria provided, single submitter. Criteria: ACMG Guidelines, 2015. Collection method: clinical testing. Allele origin: germline. Affected: yes. Observed: 1 heterozygote.
Comment: Same nucleotide change resulting in same amino acid change has been previously reported as de novoo and observed in at least four similarly affected unrelated individuals (PMID: 23745724, 22729224, PS2, PS4_M). The variant was observed as assumed (i.e. paternity and maternity not confirmed) de novoo (3billion dataset, PM6). It is not observed in the gnomAD v2.1.1 dataset (PM2. Missense changes are a common disease-causing mechanism (PP2). Therefore, this variant is classified as pathogenic according to the recommendation of ACMG/AMP guideline.

CeGaT Center for Human Genetics Tuebingen
Classification: Pathogenic. Last evaluated: 2021-03-01. Review status: criteria provided, single submitter. Criteria: CeGaT Center For Human Genetics Tuebingen Variant Classification Criteria Version 2. Collection method: clinical testing. Allele origin: germline. Affected: yes. Observed: 1 variant allele.

Laboratorio de Genetica e Diagnostico Molecular, Hospital Israelita Albert Einstein
Classification: Pathogenic. Last evaluated: 2019-10-18. Review status: criteria provided, single submitter. Criteria: ACMG Guidelines, 2015. Collection method: clinical testing. Allele origin: germline. Affected: yes.
Comment: ACMG classification criteria: PS2, PS4, PM2, PP2, PP3

Ambry Genetics
Classification: Likely pathogenic for Inborn genetic diseases. Last evaluated: 2017-10-04. Review status: criteria provided, single submitter. Criteria: Ambry exome assertion method (8-5-2015). Collection method: clinical testing. Allele origin: germline. Affected: yes. Observed: 4 variant alleles. Clinical features observed: Global developmental delay (HP:0001263), Intellectual disability (HP:0001249), Microcephaly (HP:0000252), Autistic disorder of childhood onset (HP:0000717), Heart murmur (HP:0030148), Frontal bossing (HP:0002007), Midface retrusion (HP:0011800), Heterotopia (HP:0002282), Cerebellar malformation (HP:0002438).

Centre for Mendelian Genomics, University Medical Centre Ljubljana
Classification: Likely pathogenic for Capillary hemangioma; Global developmental delay; Macrocephaly; Polymicrogyria. Last evaluated: 2014-01-06. Review status: criteria provided, single submitter. Criteria: ACMG Guidelines, 2015. Collection method: clinical testing. Allele origin: unknown. Affected: yes.

OMIM
Classification: Pathogenic for MEGALENCEPHALY-POLYMICROGYRIA-POLYDACTYLY-HYDROCEPHALUS SYNDROME 2. Last evaluated: 2012-06-24. Review status: no assertion criteria provided. Collection method: literature only. Allele origin: germline. Not counted in ClinVar's aggregate classification.

Clinical Research Center for Children Neurodevelopmental Disabilities of Hunan Province, Xiangya Hospital of Central South University
Classification: Pathogenic for Megalencephaly-polymicrogyria-polydactyly-hydrocephalus syndrome 2. Review status: no assertion criteria provided. Collection method: clinical testing. Allele origin: germline. Inheritance: Autosomal dominant inheritance. Affected: yes. Not counted in ClinVar's aggregate classification.

GeneReviews
No classification provided. Condition: Megalencephaly-polymicrogyria-polydactyly-hydrocephalus syndrome 2. Review status: no classification provided. Collection method: literature only. Allele origin: germline. Affected: yes. Not counted in ClinVar's aggregate classification.

Literature cited by the submitters: PubMed 22729224 (cited by 6 submitters); PubMed 23745724 (cited by Labcorp Genetics (formerly Invitae), Labcorp and 3billion); PubMed 24705253 (cited by Labcorp Genetics (formerly Invitae), Labcorp); PubMed 29286531 (cited by Victorian Clinical Genetics Services, Murdoch Childrens Research Institute); PubMed 33176815 (cited by Victorian Clinical Genetics Services, Murdoch Childrens Research Institute); PubMed 28969385 (cited by Ambry Genetics); Mirzaa, G. M., Conway, R. L., Gripp, K. W., Lerman-Sagie, T., Siegel, D. H., deVries, L. S., Lev, D., Kramer, N., Hopkins, E., Graham, J. M., Jr., Dobyns, W. B. Megalencephaly-capillary malformation (MCAP) and megalencephaly-polydactyly-polymicrogyria-hydrocephalus (MPPH) syndromes: two closely related disorders of brain overgrowth and abnormal brain and body morphogenesis. Am. J. Med. Genet. 158A: 269-291, 2012. (cited by OMIM); NCBI Bookshelf NBK396098 (cited by GeneReviews).